The following is an entry in ClinVar:

NM_002691.4(POLD1):c.1262T>A (p.Leu421Gln)

Gene: POLD1 (DNA polymerase delta 1, catalytic subunit; plus strand). Cytogenetic location: 19q13.33.
Variant type: single nucleotide variant.
Coding change: c.1262T>A on transcript NM_002691.4 (MANE Select); coding-DNA position 1262, T replaced by A.
Protein change: p.Leu421Gln; replaces leucine 421 with glutamine.
Molecular consequence: missense variant. On other transcripts: non-coding transcript variant (1).
Genome position (GRCh38, 1-based): chr19:50,406,201, T>A. VCF-style: chr19-50406201-T-A. GRCh37 (hg19) VCF-style: chr19-50909458-T-A.
Other names: c.1262T>A, p.Leu421Gln (NM_001308632.1, NM_001438210.1, NM_001438211.1 and 3 more transcripts); short protein forms L421Q.
Identifiers: ClinVar variation 4844396 (VCV004844396.1).

ClinVar aggregate classification (germline): Uncertain significance (1 of 4 stars; one submission).

Conditions:
Hereditary cancer-predisposing syndrome. Also called: Neoplastic Syndromes, Hereditary; Tumor predisposition; Hereditary Cancer Syndrome; Hereditary neoplastic syndrome. Identifiers: Orphanet 140162, MedGen C0027672, MeSH D009386, MONDO:0015356.

Submission:

Ambry Genetics
Classification: Uncertain significance for Hereditary cancer-predisposing syndrome. Last evaluated: 2026-03-02. Review status: criteria provided, single submitter. Criteria: Ambry Variant Classification Scheme 2023. Collection method: clinical testing. Allele origin: germline.
Comment: The p.L421Q variant (also known as c.1262T>A), located in coding exon 10 of the POLD1 gene, results from a T to A substitution at nucleotide position 1262. The leucine at codon 421 is replaced by glutamine, an amino acid with dissimilar properties. This amino acid position is highly conserved in available vertebrate species. In addition, this alteration is predicted to be deleterious by in silico analysis. Based on the available evidence, the clinical significance of this variant remains unclear.